The following is an entry in ClinVar:

NM_001006658.3(CR2):c.635-3T>C

Gene: CR2 (complement C3d receptor 2; plus strand). Cytogenetic location: 1q32.2.
Variant type: single nucleotide variant.
Coding change: c.635-3T>C on transcript NM_001006658.3 (MANE Select); 3 bases into the intron before coding-DNA position 635, T replaced by C.
Molecular consequence: intron variant.
Genome position (GRCh38, 1-based): chr1:207,468,797, T>C. VCF-style: chr1-207468797-T-C. GRCh37 (hg19) VCF-style: chr1-207642142-T-C.
Other names: c.635-3T>C (NM_001877.5).
Identifiers: ClinVar variation 2176010 (VCV002176010.4), dbSNP rs1192883045, ClinGen allele CA528999161.

ClinVar aggregate classification (germline): Uncertain significance (1 of 4 stars; one submission).

Conditions:
Immunodeficiency, common variable, 7. Identifiers: Orphanet 1572, Orphanet 696894, MedGen C3542922, MONDO:0013862, OMIM 614699.

Allele frequency attached by ClinVar (database versions not stated): TOPMed 0.00001; gnomAD exomes 0.00001.

Submission:

Labcorp Genetics (formerly Invitae), Labcorp
Classification: Uncertain significance for Immunodeficiency, common variable, 7. Last evaluated: 2022-08-21. Review status: criteria provided, single submitter. Criteria: Invitae Variant Classification Sherloc (09022015). Collection method: clinical testing. Allele origin: germline.
Comment: In summary, the available evidence is currently insufficient to determine the role of this variant in disease. Therefore, it has been classified as a Variant of Uncertain Significance. Variants that disrupt the consensus splice site are a relatively common cause of aberrant splicing (PMID: 17576681, 9536098). Algorithms developed to predict the effect of sequence changes on RNA splicing suggest that this variant is not likely to affect RNA splicing. This sequence change falls in intron 3 of the CR2 gene. It does not directly change the encoded amino acid sequence of the CR2 protein. It affects a nucleotide within the consensus splice site. This variant is present in population databases (no rsID available, gnomAD 0.0009%). This variant has not been reported in the literature in individuals affected with CR2-related conditions.

Literature cited by the submitters: PubMed 17576681; PubMed 9536098.